The following is an entry in ClinVar:

NM_170675.5(MEIS2):c.986A>G (p.Asn329Ser)

Gene: MEIS2 (Meis homeobox 2; minus strand). Cytogenetic location: 15q14.
Variant type: single nucleotide variant.
Coding change: c.986A>G on transcript NM_170675.5 (MANE Select); coding-DNA position 986, A replaced by G.
Protein change: p.Asn329Ser; replaces asparagine 329 with serine.
Molecular consequence: missense variant. On other transcripts: non-coding transcript variant (1).
Genome position (GRCh38, 1-based): chr15:36,896,678, T>C on the plus strand (A>G on the coding strand, the complement: MEIS2 is on the minus strand). VCF-style: chr15-36896678-T-C. GRCh37 (hg19) VCF-style: chr15-37188879-T-C.
Other names: c.986A>G, p.Asn329Ser (NM_001220482.2, NM_170674.5, NM_170676.5 and 1 more transcripts); c.947A>G, p.Asn316Ser (NM_002399.4, NM_172315.3); c.722A>G, p.Asn241Ser (NM_172316.3); short protein forms N241S, N316S, N329S.
Identifiers: ClinVar variation 1804899 (VCV001804899.1), dbSNP rs2504250536, ClinGen allele CA391926971.
Genomic context (GRCh38, chr15:36,896,678, plus strand): 5'-TGGAACTTGCCTGCTCGATTTGACTGGTCAATCATGGGCTGTACTATTCTTCTTCTGGCA[T>C]TAATAAACCTGAAAGAGAACAGAGAAGTCCAGTCATCATACTCCGTTTCTGTACTCTGCG-3'
Protein context (NP_733775.1, residues 319-339): TILQVNNWFI[Asn329Ser]ARRRIVQPMI

ClinVar aggregate classification (germline): Likely pathogenic (1 of 4 stars; one submission).

Conditions:
Cardiac malformation, cleft lip/palate, microcephaly, and digital anomalies. Also called: CLEFT PALATE, CARDIAC DEFECTS, AND IMPAIRED INTELLECTUAL DEVELOPMENT. Identifiers: MedGen C1832950, MONDO:0010970, OMIM 600987.

Submission:

Victorian Clinical Genetics Services, Murdoch Childrens Research Institute
Classification: Likely pathogenic for Cardiac malformation, cleft lip/palate, microcephaly, and digital anomalies. Last evaluated: 2020-10-19. Review status: criteria provided, single submitter. Criteria: ACMG Guidelines, 2015. Collection method: clinical testing. Allele origin: germline. Inheritance: Autosomal dominant inheritance. Affected: yes.
Comment: Based on the classification scheme VCGS_Germline_v1.3.3, this variant is classified as Likely Pathogenic. Following criteria are met: 0102 - Loss of function is a known mechanism of disease in this gene and is associated with cleft palate, cardiac defects, and intellectual disability (MIM#600987). Dominant negative has been suggested as a potential mechanism of disease for missense variants (PMID: 30055086, PMID: 30291340). (I) 0107 - This gene is associated with autosomal dominant disease. (I) 0200 - Variant is predicted to result in a missense amino acid change from asparagine to serine. (I) 0251 - This variant is heterozygous. (I) 0301 - Variant is absent from gnomAD (both v2 and v3). (SP) 0501 - Missense variant consistently predicted to be damaging by multiple in silico tools or highly conserved with a major amino acid change. (SP) 0603 - Missense variant in a region that is highly intolerant to missense variation (high constraint region in DECIPHER). This residue is a specific DNA base contact within the homeobox KN domain (NCBI, DECIPHER, PDB). (SP) 0704 - Another missense variant comparable to the one identified in this case has limited previous evidence for pathogenicity. The alternative change p.(Asn329Ser) has been reported as likely pathogenic (ClinVar). (SP) 0807 - This variant has no previous evidence of pathogenicity. (I) 0905 - No published segregation evidence has been identified for this variant. (I) 1007 - No published functional evidence has been identified for this variant. (I) 1102 - Strong phenotype match for this individual. (SP) 1208 - Inheritance information for this variant is not currently available in this individual. (I) Legend: (SP) - Supporting pathogenic, (I) - Information, (SB) - Supporting benign

Literature cited by the submitters: PubMed 30055086; PubMed 30291340.